The following is an entry in ClinVar:

NM_001365536.1(SCN9A):c.4190T>C (p.Leu1397Pro)

Genes: SCN9A (sodium voltage-gated channel alpha subunit 9; minus strand), SCN1A-AS1 (SCN1A and SCN9A antisense RNA 1; plus strand). Cytogenetic location: 2q24.3.
Variant type: single nucleotide variant.
Coding change: c.4190T>C on transcript NM_001365536.1 (MANE Select); coding-DNA position 4190, T replaced by C.
Protein change: p.Leu1397Pro; replaces leucine 1397 with proline.
Molecular consequence: missense variant.
Genome position (GRCh38, 1-based): chr2:166,228,707, A>G on the plus strand (T>C on the coding strand, the complement: SCN9A is on the minus strand). VCF-style: chr2-166228707-A-G. GRCh37 (hg19) VCF-style: chr2-167085217-A-G.
Other names: c.4157T>C, p.Leu1386Pro (NM_002977.4); short protein forms L1386P, L1397P.
Identifiers: ClinVar variation 471125 (VCV000471125.11), dbSNP rs1553479077, ClinGen allele CA349063220.

ClinVar aggregate classification (germline): Uncertain significance (1 of 4 stars; one submission).

Conditions:
Neuropathy, hereditary sensory and autonomic, type 2A (HSAN2A). Also called: ACROOSTEOLYSIS, NEUROGENIC; ACROOSTEOLYSIS, GIACCAI TYPE; MORVAN DISEASE; NEUROPATHY, CONGENITAL SENSORY; NEUROPATHY, HEREDITARY SENSORY RADICULAR, AUTOSOMAL RECESSIVE; NEUROPATHY, HEREDITARY SENSORY, TYPE IIA. Identifiers: Orphanet 970, MedGen C2752089, MONDO:0024309, OMIM 201300.
Generalized epilepsy with febrile seizures plus, type 7 (GEFSP7). Also called: GEFS+, TYPE 7. Identifiers: Orphanet 36387, MedGen C2751778, MONDO:0013470, OMIM 613863.

Submission:

Labcorp Genetics (formerly Invitae), Labcorp
Classification: Uncertain significance for Neuropathy, hereditary sensory and autonomic, type 2A; Generalized epilepsy with febrile seizures plus, type 7. Last evaluated: 2019-06-07. Review status: criteria provided, single submitter. Criteria: Invitae Variant Classification Sherloc (09022015). Collection method: clinical testing. Allele origin: germline.
Comment: In summary, this variant is a novel missense change with uncertain impact on protein function. It has been classified as a Variant of Uncertain Significance. Algorithms developed to predict the effect of missense changes on protein structure and function (SIFT, PolyPhen-2, Align-GVGD) all suggest that this variant is likely to be disruptive, but these predictions have not been confirmed by published functional studies. This variant identified in the SCN9A gene is located in the transmembrane spanning DIII-S5/S6 region of the resulting protein (PMID: 25348405). It is unclear how this variant impacts the function of this protein. This variant is not present in population databases (ExAC no frequency) and has not been reported in the literature in individuals with a SCN9A-related disease. This sequence change replaces leucine with proline at codon 1386 of the SCN9A protein (p.Leu1386Pro). The leucine residue is highly conserved and there is a moderate physicochemical difference between leucine and proline.

Literature cited by the submitters: PubMed 25348405.